The following is an entry in ClinVar:

ClinVar aggregate classification (germline): Conflicting classifications of pathogenicity. Review status: criteria provided, conflicting classifications (1 of 4 stars). 7 submissions from 7 submitters: Uncertain significance (6); Likely benign (1). Last evaluated 2025-10-29.

Conditions:
Cerebral arteriopathy, autosomal dominant, with subcortical infarcts and leukoencephalopathy, type 1 (CADASIL1). Also called: CASIL; Cerebral arteriopathy with subcortical infarcts and leukoencephalopathy 1; DEMENTIA, HEREDITARY MULTIINFARCT TYPE; CADASIL 1. Identifiers: Orphanet 136, MedGen C4551768, MONDO:0000914, OMIM 125310.
Lateral meningocele syndrome (LMNS). Also called: NOTCH3-Related Lateral Meningocele Syndrome. Identifiers: Orphanet 2789, MedGen C1851710, MONDO:0007537, OMIM 130720.
Myofibromatosis, infantile, 2. Identifiers: Orphanet 2591, MedGen C3809084, MONDO:0014122, OMIM 615293.
NOTCH3-related disorder. Also called: NOTCH3-related condition; NOTCH3-related disorders.

Allele frequency attached by ClinVar (database versions not stated): ExAC 0.00007; TOPMed 0.00010; gnomAD 0.00011 and 0.00012.
gnomAD v4.1: 99 of 1,614,080 alleles (0.0061%); highest among the groups gnomAD compares: Middle Eastern, 0.016%; no homozygotes.

Submissions (7):

Labcorp Genetics (formerly Invitae), Labcorp
Classification: Likely benign. Last evaluated: 2025-10-29. Review status: criteria provided, single submitter. Criteria: Invitae Variant Classification Sherloc (09022015). Collection method: clinical testing. Allele origin: germline.

Mayo Clinic Laboratories, Mayo Clinic
Classification: Uncertain significance. Last evaluated: 2024-09-26. Review status: criteria provided, single submitter. Criteria: ACMG Guidelines, 2015. Collection method: clinical testing. Allele origin: germline. Observed: 3 variant alleles.
Comment: BS2

GeneDx
Classification: Uncertain significance. Last evaluated: 2024-09-18. Review status: criteria provided, single submitter. Criteria: GeneDx Variant Classification Process June 2021. Collection method: clinical testing. Allele origin: germline. Affected: yes.
Comment: Reported in an individual from a cohort of patients with a personal and family history of neurological features suggestive of CADASIL; however, detailed patient-specific information was not provided (PMID: 19006080); In silico analysis supports that this missense variant has a deleterious effect on protein structure/function; This variant is associated with the following publications: (PMID: 28902129, 31441874, 31484286, 38790158, 19006080)

Department of Pathology and Laboratory Medicine, Sinai Health System
Classification: Uncertain significance for Cerebral arteriopathy, autosomal dominant, with subcortical infarcts and leukoencephalopathy, type 1; Lateral meningocele syndrome; Myofibromatosis, infantile, 2. Last evaluated: 2023-01-30. Review status: criteria provided, single submitter. Criteria: ACMG Guidelines, 2015. Collection method: research. Allele origin: germline.

PreventionGenetics, part of Exact Sciences
Classification: Uncertain significance for NOTCH3-related condition. Last evaluated: 2022-11-04. Review status: criteria provided, single submitter. Criteria: ACMG Guidelines, 2015. Collection method: clinical testing. Allele origin: germline.
Comment: The NOTCH3 c.1774C>A variant is predicted to result in the amino acid substitution p.Arg592Ser. This variant was reported in an individual with white matter lesions; however no additional functional or familial segregation studies support its pathogenicity (Ungaro et al 2009. PubMed ID: 19006080). This variant is reported in 0.011% of alleles in individuals of European (Non-Finnish) descent in gnomAD. Most CADASIL causing variants in the NOTCH3 gene result in the gain or loss of one or more cysteine residues in the extracellular domains of the protein. This variant located in an extracellular EGFr-like domain, but does not involve a cysteine residue. Although we suspect that this variant may be benign, at this time, the clinical significance of this variant is uncertain due to the absence of conclusive functional and genetic evidence.

Centre of Medical Genetics, University Hospital Muenster
Classification: Uncertain significance. Last evaluated: 2021-12-16. Review status: criteria provided, single submitter. Criteria: ACMG Guidelines, 2015. Collection method: clinical testing. Allele origin: unknown. Affected: yes. Observed: 1 variant allele, 1 heterozygote.
Comment: ACMG categories: PM2,PM5,PP3,BP1

Athena Diagnostics
Classification: Uncertain significance. Last evaluated: 2019-09-24. Review status: criteria provided, single submitter. Criteria: Athena Diagnostics Criteria. Collection method: clinical testing. Allele origin: unknown.

Literature cited by the submitters: PubMed 19006080 (cited by Mayo Clinic Laboratories, Mayo Clinic and Athena Diagnostics); PubMed 28902129 (cited by Mayo Clinic Laboratories, Mayo Clinic); PubMed 31441874 (cited by Mayo Clinic Laboratories, Mayo Clinic); PubMed 39072298 (cited by Mayo Clinic Laboratories, Mayo Clinic).

NM_000435.3(NOTCH3):c.1774C>A (p.Arg592Ser)

Gene: NOTCH3 (notch receptor 3; minus strand). Cytogenetic location: 19p13.12.
Variant type: single nucleotide variant.
Coding change: c.1774C>A on transcript NM_000435.3 (MANE Select); coding-DNA position 1774, C replaced by A.
Protein change: p.Arg592Ser; replaces arginine 592 with serine.
Molecular consequence: missense variant.
Genome position (GRCh38, 1-based): chr19:15,187,171, G>T on the plus strand (C>A on the coding strand, the complement: NOTCH3 is on the minus strand). VCF-style: chr19-15187171-G-T. GRCh37 (hg19) VCF-style: chr19-15297982-G-T.
Other names: short protein forms R592S.
Identifiers: ClinVar variation 447798 (VCV000447798.15), dbSNP rs764148985, ClinGen allele CA9263550.
Genomic context (GRCh38, chr19:15,187,171, plus strand): 5'-TCCCAGAAGGGCAGCGGCAGAGGTACTTGTCCACCAGGTCTAGGCATTTGCCGCCATGGC[G>T]GCAGGGCTGGCTGCGGCATTCGTCCACCTGGCTCTCGCAGCGTGTGCCCGTGTAGCCAGG-3'
Protein context (NP_000426.2, residues 582-602): QVDECRSQPC[Arg592Ser]HGGKCLDLVD